The following is an entry in ClinVar:

ClinVar aggregate classification (germline): Uncertain significance (1 of 4 stars; one submission).

Submission:

Dasa
Classification: Uncertain significance. Last evaluated: 2025-12-29. Review status: criteria provided, single submitter. Criteria: DASA Assertion Criteria. Collection method: clinical testing. Allele origin: germline.
Comment: NM_021964.3(ZNF148):c.529A>T (p.Asn177Tyr) is a missense variant that results in the substitution of asparagine with tyrosine. This variant is absent from population databases. The currently available literature and clinical evidence are not sufficient to establish a definitive association between this variant and the reported condition. Therefore, this variant is classified as a variant of uncertain significance.

NM_021964.3(ZNF148):c.529A>T (p.Asn177Tyr)

Gene: ZNF148 (zinc finger protein 148; minus strand). Cytogenetic location: 3q21.2.
Variant type: single nucleotide variant.
Coding change: c.529A>T on transcript NM_021964.3 (MANE Select); coding-DNA position 529, A replaced by T.
Protein change: p.Asn177Tyr; replaces asparagine 177 with tyrosine.
Molecular consequence: missense variant.
Genome position (GRCh38, 1-based): chr3:125,279,178, T>A on the plus strand (A>T on the coding strand, the complement: ZNF148 is on the minus strand). VCF-style: chr3-125279178-T-A. GRCh37 (hg19) VCF-style: chr3-124998022-T-A.
Other names: c.529A>T, p.Asn177Tyr (NM_001348424.1, NM_001348425.2, NM_001348426.2 and 8 more transcripts); c.403A>T, p.Asn135Tyr (NM_001348434.2); short protein forms N135Y, N177Y.
Identifiers: ClinVar variation 4882159 (VCV004882159.2).
Genomic context (GRCh38, chr3:125,279,178, plus strand): 5'-AAATACCTGTATGAATGAAGACATGTCTCTGTAAGTGATAGTTCGTTCTAAAGGCAGCAT[T>A]GCAGTGCTCACAAACGTGAGATTTAGGGGTTTTCAAACCAAGTGATCCATCCTCATTTAT-3'
Protein context (NP_068799.2, residues 167-187): TPKSHVCEHC[Asn177Tyr]AAFRTNYHLQ